The following is an entry in ClinVar:

NM_032444.4(SLX4):c.4645A>T (p.Asn1549Tyr)

Gene: SLX4 (SLX4 structure-specific endonuclease subunit; minus strand). Cytogenetic location: 16p13.3.
Variant type: single nucleotide variant.
Coding change: c.4645A>T on transcript NM_032444.4 (MANE Select); coding-DNA position 4645, A replaced by T.
Protein change: p.Asn1549Tyr; replaces asparagine 1549 with tyrosine.
Molecular consequence: missense variant.
Genome position (GRCh38, 1-based): chr16:3,584,863, T>A on the plus strand (A>T on the coding strand, the complement: SLX4 is on the minus strand). VCF-style: chr16-3584863-T-A. GRCh37 (hg19) VCF-style: chr16-3634864-T-A.
Other names: short protein forms N1549Y.
Identifiers: ClinVar variation 1000547 (VCV001000547.8), dbSNP rs2040490377, ClinGen allele CA394516279.

ClinVar aggregate classification (germline): Uncertain significance (1 of 4 stars; one submission).

Conditions:
Fanconi anemia (FA). Also called: Fanconi's anemia. Identifiers: Orphanet 84, MedGen C0015625, MeSH D005199, MONDO:0019391.

Submission:

Labcorp Genetics (formerly Invitae), Labcorp
Classification: Uncertain significance for Fanconi anemia. Last evaluated: 2020-09-02. Review status: criteria provided, single submitter. Criteria: Invitae Variant Classification Sherloc (09022015). Collection method: clinical testing. Allele origin: germline.
Comment: In summary, the available evidence is currently insufficient to determine the role of this variant in disease. Therefore, it has been classified as a Variant of Uncertain Significance. Algorithms developed to predict the effect of missense changes on protein structure and function (SIFT, PolyPhen-2, Align-GVGD) all suggest that this variant is likely to be tolerated, but these predictions have not been confirmed by published functional studies and their clinical significance is uncertain. This variant has not been reported in the literature in individuals with SLX4-related conditions. This variant is not present in population databases (ExAC no frequency). This sequence change replaces asparagine with tyrosine at codon 1549 of the SLX4 protein (p.Asn1549Tyr). The asparagine residue is weakly conserved and there is a large physicochemical difference between asparagine and tyrosine.